The following is an entry in ClinVar:

NM_004273.5(CHST3):c.423G>A (p.Thr141=)

Gene: CHST3 (carbohydrate sulfotransferase 3; plus strand). Cytogenetic location: 10q22.1.
Variant type: single nucleotide variant.
Coding change: c.423G>A on transcript NM_004273.5 (MANE Select); coding-DNA position 423, G replaced by A.
Protein change: p.Thr141=; no amino-acid change (threonine 141 retained).
Molecular consequence: synonymous variant.
Genome position (GRCh38, 1-based): chr10:72,007,454, G>A. VCF-style: chr10-72007454-G-A. GRCh37 (hg19) VCF-style: chr10-73767212-G-A.
Identifiers: ClinVar variation 742648 (VCV000742648.12), dbSNP rs376107245, ClinGen allele CA5548092.
Genomic context (GRCh38, chr10:72,007,454, plus strand): 5'-GGAGCCGCCCAGACCGGCCGTGGCGGGGCCCCGGCGCCACGTGCTGCTCATGGCCACCAC[G>A]CGCACCGGCTCCTCGTTCGTGGGCGAGTTCTTCAACCAGCAGGGCAACATCTTCTACCTC-3'
Protein context (NP_004264.2, residues 131-151): PRRHVLLMAT[Thr141=]RTGSSFVGEF

ClinVar aggregate classification (germline): Conflicting classifications of pathogenicity. Review status: criteria provided, conflicting classifications (1 of 4 stars). 3 submissions from 3 submitters: Uncertain significance (1); Likely benign (1). 1 of the submissions does not count toward it. Last evaluated 2026-01-25.

Conditions:
CHST3-related disorder. Also called: CHST3-related condition.
Spondyloepiphyseal dysplasia with congenital joint dislocations (SEDCJD). Also called: Chondrodysplasia with Congenital Joint Dislocations, CHST3-Related. Identifiers: Orphanet 263463, MedGen C1837657, MONDO:0007738, OMIM 143095.

Allele frequency attached by ClinVar (database versions not stated): ExAC 0.00004; gnomAD exomes 0.00004; gnomAD 0.00011 and 0.00012; TOPMed 0.00011; ESP Exome Variant Server 0.00015.
gnomAD v4.1: 310 of 1,603,114 alleles (0.019%); highest among the groups gnomAD compares: Non-Finnish European, 0.023%; no homozygotes.

Submissions (3):

Labcorp Genetics (formerly Invitae), Labcorp
Classification: Likely benign for Spondyloepiphyseal dysplasia with congenital joint dislocations. Last evaluated: 2026-01-25. Review status: criteria provided, single submitter. Criteria: Invitae Variant Classification Sherloc (09022015). Collection method: clinical testing. Allele origin: germline.

Illumina Laboratory Services, Illumina
Classification: Uncertain significance for Spondyloepiphyseal dysplasia with congenital joint dislocations. Last evaluated: 2017-04-27. Review status: criteria provided, single submitter. Criteria: ICSL Variant Classification Criteria 13 December 2019. Collection method: clinical testing. Allele origin: germline.

PreventionGenetics, part of Exact Sciences
Classification: Likely benign for CHST3-related condition. Last evaluated: 2023-10-06. Review status: no assertion criteria provided. Collection method: clinical testing. Allele origin: germline. Not counted in ClinVar's aggregate classification.
Comment: This variant is classified as likely benign based on ACMG/AMP sequence variant interpretation guidelines (Richards et al. 2015 PMID: 25741868, with internal and published modifications).